The following is an entry in ClinVar:

ClinVar aggregate classification (germline): Uncertain significance (1 of 4 stars; one submission).

Allele frequency attached by ClinVar (database versions not stated): gnomAD exomes below 0.00001.
gnomAD v4.1: 4 of 1,578,262 alleles (0.00025%); highest among the groups gnomAD compares: Non-Finnish European, 0.00017%; no homozygotes.

Submission:

Labcorp Genetics (formerly Invitae), Labcorp
Classification: Uncertain significance. Last evaluated: 2022-11-18. Review status: criteria provided, single submitter. Criteria: Invitae Variant Classification Sherloc (09022015). Collection method: clinical testing. Allele origin: germline.
Comment: In summary, the available evidence is currently insufficient to determine the role of this variant in disease. Therefore, it has been classified as a Variant of Uncertain Significance. Advanced modeling of protein sequence and biophysical properties (such as structural, functional, and spatial information, amino acid conservation, physicochemical variation, residue mobility, and thermodynamic stability) performed at Invitae indicates that this missense variant is expected to disrupt AUTS2 protein function. This variant has not been reported in the literature in individuals affected with AUTS2-related conditions. This variant is not present in population databases (gnomAD no frequency). This sequence change replaces arginine, which is basic and polar, with tryptophan, which is neutral and slightly polar, at codon 945 of the AUTS2 protein (p.Arg945Trp).

NM_015570.4(AUTS2):c.2833C>T (p.Arg945Trp)

Gene: AUTS2 (activator of transcription and developmental regulator AUTS2; plus strand). Cytogenetic location: 7q11.22.
Variant type: single nucleotide variant.
Coding change: c.2833C>T on transcript NM_015570.4 (MANE Select); coding-DNA position 2833, C replaced by T.
Protein change: p.Arg945Trp; replaces arginine 945 with tryptophan.
Molecular consequence: missense variant.
Genome position (GRCh38, 1-based): chr7:70,790,049, C>T. VCF-style: chr7-70790049-C-T. GRCh37 (hg19) VCF-style: chr7-70255035-C-T.
Other names: c.2761C>T, p.Arg921Trp (NM_001127231.3); short protein forms R921W, R945W.
Identifiers: ClinVar variation 2883541 (VCV002883541.3), dbSNP rs2484980627, ClinGen allele CA367664922.